The following is an entry in ClinVar:

ClinVar aggregate classification (germline): Uncertain significance (1 of 4 stars; one submission).

Conditions:
Arrhythmogenic cardiomyopathy with wooly hair and keratoderma. Also called: PALMOPLANTAR KERATODERMA WITH LEFT VENTRICULAR CARDIOMYOPATHY AND WOOLLY HAIR; Carvajal syndrome; Dilated cardiomyopathy with woolly hair and keratoderma; Arrhythmogenic cardiomyopathy with woolly hair and keratoderma. Identifiers: Orphanet 65282, MedGen C1854063, MONDO:0011581, OMIM 605676.
Arrhythmogenic right ventricular dysplasia 8 (ARVD8). Also called: Arrhythmogenic Right Ventricular Dysplasia/Cardiomyopathy 8; ARRHYTHMOGENIC RIGHT VENTRICULAR DYSPLASIA, FAMILIAL, 8; ARRHYTHMOGENIC RIGHT VENTRICULAR CARDIOMYOPATHY 8. Identifiers: MedGen C1843896, MONDO:0011831, OMIM 607450.

Submission:

Labcorp Genetics (formerly Invitae), Labcorp
Classification: Uncertain significance for Arrhythmogenic cardiomyopathy with wooly hair and keratoderma; Arrhythmogenic right ventricular dysplasia 8. Last evaluated: 2023-07-25. Review status: criteria provided, single submitter. Criteria: Invitae Variant Classification Sherloc (09022015). Collection method: clinical testing. Allele origin: germline.
Comment: An algorithm developed to predict the effect of missense changes on protein structure and function (PolyPhen-2) suggests that this variant is likely to be tolerated. This variant has not been reported in the literature in individuals affected with DSP-related conditions. This variant is not present in population databases (gnomAD no frequency). This sequence change replaces glutamine, which is neutral and polar, with arginine, which is basic and polar, at codon 130 of the DSP protein (p.Gln130Arg). In summary, the available evidence is currently insufficient to determine the role of this variant in disease. Therefore, it has been classified as a Variant of Uncertain Significance.

NM_004415.4(DSP):c.389A>G (p.Gln130Arg)

Gene: DSP (desmoplakin; plus strand). Cytogenetic location: 6p24.3.
Variant type: single nucleotide variant.
Coding change: c.389A>G on transcript NM_004415.4 (MANE Select); coding-DNA position 389, A replaced by G.
Protein change: p.Gln130Arg; replaces glutamine 130 with arginine.
Molecular consequence: missense variant.
Genome position (GRCh38, 1-based): chr6:7,558,231, A>G. VCF-style: chr6-7558231-A-G. GRCh37 (hg19) VCF-style: chr6-7558464-A-G.
Other names: c.389A>G, p.Gln130Arg (NM_001008844.3, NM_001319034.2, NM_001406591.1); short protein forms Q130R.
Identifiers: ClinVar variation 2950252 (VCV002950252.3), dbSNP rs2533849601, ClinGen allele CA362671354.